The following is an entry in ClinVar:

NM_014476.6(PDLIM3):c.236A>G (p.Lys79Arg)

Gene: PDLIM3 (PDZ and LIM domain 3; minus strand). Cytogenetic location: 4q35.1.
Variant type: single nucleotide variant.
Coding change: c.236A>G on transcript NM_014476.6 (MANE Select); coding-DNA position 236, A replaced by G.
Protein change: p.Lys79Arg; replaces lysine 79 with arginine.
Molecular consequence: missense variant. On other transcripts: non-coding transcript variant (1), intron variant (1).
Genome position (GRCh38, 1-based): chr4:185,525,029, T>C on the plus strand (A>G on the coding strand, the complement: PDLIM3 is on the minus strand). VCF-style: chr4-185525029-T-C. GRCh37 (hg19) VCF-style: chr4-186446183-T-C.
Other names: c.236A>G, p.Lys79Arg (NM_001114107.5, NM_001257962.2); c.93+10313A>G (NM_001257963.2); short protein forms K79R.
Identifiers: ClinVar variation 4794081 (VCV004794081.1).

ClinVar aggregate classification (germline): Uncertain significance (1 of 4 stars; one submission).

Conditions:
Primary dilated cardiomyopathy (DCM). Also called: Dilated Cardiomyopathy. Identifiers: Orphanet 217604, MedGen C0007193, MeSH D002311, MONDO:0005021, HP:0001644. Inheritance: Various modes of inheritance.
Hypertrophic cardiomyopathy. Also called: HYPERTROPHIC MYOCARDIOPATHY. Identifiers: Orphanet 217569, MedGen C0007194, MeSH D002312, MONDO:0005045, HP:0001639.

Submission:

Labcorp Genetics (formerly Invitae), Labcorp
Classification: Uncertain significance for Hypertrophic cardiomyopathy; Primary dilated cardiomyopathy. Last evaluated: 2025-05-17. Review status: criteria provided, single submitter. Criteria: Invitae Variant Classification Sherloc (09022015). Collection method: clinical testing. Allele origin: germline.
Comment: This sequence change replaces lysine, which is basic and polar, with arginine, which is basic and polar, at codon 79 of the PDLIM3 protein (p.Lys79Arg). This variant is present in population databases (rs771028495, gnomAD 0.01%). This variant has not been reported in the literature in individuals affected with PDLIM3-related conditions. Invitae Evidence Modeling of protein sequence and biophysical properties (such as structural, functional, and spatial information, amino acid conservation, physicochemical variation, residue mobility, and thermodynamic stability) indicates that this missense variant is not expected to disrupt PDLIM3 protein function with a negative predictive value of 80%. In summary, the available evidence is currently insufficient to determine the role of this variant in disease. Therefore, it has been classified as a Variant of Uncertain Significance.